The following is an entry in ClinVar:

NM_001099922.3(ALG13):c.2248-15G>C

Gene: ALG13 (ALG13 UDP-N-acetylglucosaminyltransferase subunit; plus strand). Cytogenetic location: Xq23.
Variant type: single nucleotide variant.
Coding change: c.2248-15G>C on transcript NM_001099922.3 (MANE Select); 15 bases into the intron before coding-DNA position 2248, G replaced by C.
Molecular consequence: intron variant.
Genome position (GRCh38, 1-based): chrX:111,728,170, G>C. VCF-style: chrX-111728170-G-C. GRCh37 (hg19) VCF-style: chrX-110971398-G-C.
Other names: c.1936-15G>C (NM_001257237.2, NM_001257234.2, NM_001257230.2); c.1762-15G>C (NM_001324293.1); c.2014-15G>C (NM_001257231.2); c.2248-15G>C (NM_001324292.2).
Identifiers: ClinVar variation 510587 (VCV000510587.15), dbSNP rs139711892, ClinGen allele CA10493846.

ClinVar aggregate classification (germline): Benign/Likely benign. Review status: criteria provided, multiple submitters, no conflicts (2 of 4 stars). 6 submissions from 6 submitters: Benign (3); Likely benign (3). Last evaluated 2025-10-01.

Conditions:
Developmental and epileptic encephalopathy, 36 (DEE36). Also called: Congenital disorder of glycosylation, type Is; Epileptic encephalopathy, early infantile, 36; ALG13-CDG. Identifiers: Orphanet 324422, MedGen C4317295, MONDO:0010472, OMIM 300884.

Allele frequency attached by ClinVar (database versions not stated): gnomAD exomes 0.00004 and 0.00009; ExAC 0.00010; 1000 Genomes Project 30x 0.00021; 1000 Genomes Project 0.00026; TOPMed 0.00034; ESP Exome Variant Server 0.00037; gnomAD 0.00039 and 0.00040.
gnomAD v4.1: 92 of 1,208,485 alleles (0.0076%); highest among the groups gnomAD compares: African/African-American, 0.12%; no homozygotes.

Submissions (6):

Labcorp Genetics (formerly Invitae), Labcorp
Classification: Benign for Developmental and epileptic encephalopathy, 36. Last evaluated: 2025-10-01. Review status: criteria provided, single submitter. Criteria: Invitae Variant Classification Sherloc (09022015). Collection method: clinical testing. Allele origin: germline.

Genome-Nilou Lab
Classification: Benign for Developmental and epileptic encephalopathy, 36. Last evaluated: 2021-12-05. Review status: criteria provided, single submitter. Criteria: ACMG Guidelines, 2015. Collection method: clinical testing. Allele origin: germline. Affected: no.

Fulgent Genetics
Classification: Likely benign for Developmental and epileptic encephalopathy, 36. Last evaluated: 2021-10-21. Review status: criteria provided, single submitter. Criteria: ACMG Guidelines, 2015. Collection method: clinical testing. Allele origin: unknown.

Dubai Health Genomic Medicine Center, Dubai Health
Classification: Benign. Last evaluated: 2020-12-16. Review status: criteria provided, single submitter. Criteria: ACMG Guidelines, 2015. Collection method: clinical testing. Allele origin: germline. Affected: yes.

Blueprint Genetics
Classification: Likely benign. Last evaluated: 2020-04-22. Review status: criteria provided, single submitter. Criteria: ACMG Guidelines, 2015. Collection method: clinical testing. Allele origin: germline.

GeneDx
Classification: Likely benign. Last evaluated: 2017-07-06. Review status: criteria provided, single submitter. Criteria: GeneDx Variant Classification (06012015). Collection method: clinical testing. Allele origin: germline. Affected: yes.
Comment: This variant is considered likely benign or benign based on one or more of the following criteria: it is a conservative change, it occurs at a poorly conserved position in the protein, it is predicted to be benign by multiple in silico algorithms, and/or has population frequency not consistent with disease.